The following is an entry in ClinVar:

NM_000498.3(CYP11B2):c.1014_1015insTA (p.Ile339Ter)

Genes: CYP11B2 (cytochrome P450 family 11 subfamily B member 2; minus strand), LOC106799834 (CYP11B2 recombination region; plus strand). Cytogenetic location: 8q24.3.
Variant type: Insertion.
Coding change: c.1014_1015insTA on transcript NM_000498.3 (MANE Select); coding-DNA positions 1014 to 1015, TA inserted.
Protein change: p.Ile339Ter; replaces isoleucine 339 with a stop codon.
Molecular consequence: nonsense.
Genome position: GRCh38 VCF-style: chr8-142913391-T-TTA. GRCh37 (hg19) VCF-style: chr8-143994807-T-TTA.
Other names: short protein forms I339*.
Identifiers: ClinVar variation 863701 (VCV000863701.9), dbSNP rs1817576999, ClinGen allele CA916083014.

ClinVar aggregate classification (germline): Pathogenic (1 of 4 stars; one submission).

Allele frequency attached by ClinVar (database versions not stated): TOPMed below 0.00001.

Submission:

Labcorp Genetics (formerly Invitae), Labcorp
Classification: Pathogenic. Last evaluated: 2022-04-09. Review status: criteria provided, single submitter. Criteria: Invitae Variant Classification Sherloc (09022015). Collection method: clinical testing. Allele origin: germline.
Comment: This sequence change creates a premature translational stop signal (p.Ile339*) in the CYP11B2 gene. It is expected to result in an absent or disrupted protein product. Loss-of-function variants in CYP11B2 are known to be pathogenic (PMID: 20494601, 22801770, 26936515). For these reasons, this variant has been classified as Pathogenic. ClinVar contains an entry for this variant (Variation ID: 863701). This variant has not been reported in the literature in individuals affected with CYP11B2-related conditions. This variant is not present in population databases (gnomAD no frequency).

Literature cited by the submitters: PubMed 20494601; PubMed 22801770; PubMed 26936515.